The following is an entry in ClinVar:

ClinVar aggregate classification (germline): Uncertain significance (1 of 4 stars; one submission).

Conditions:
Wilms tumor 1 (WT1). Also called: Wilms tumor, somatic. Identifiers: Orphanet 654, MedGen CN033288, MONDO:0008679, OMIM 194070.
11p partial monosomy syndrome (WAGR). Also called: WAGR Complex; WAGR syndrome; WAGR Spectrum Disorder; CHROMOSOME 11p13 DELETION SYNDROME. Identifiers: Orphanet 893, MedGen C0206115, MONDO:0008681, OMIM 194072.
Drash syndrome (DDS). Also called: WILMS TUMOR AND PSEUDO- OR TRUE HERMAPHRODITISM; NEPHROPATHY, WILMS TUMOR, AND GENITAL ANOMALIES. Identifiers: Orphanet 220, MedGen C0950121, MONDO:0008682, OMIM 194080.
Frasier syndrome. Identifiers: Orphanet 347, MedGen C0950122, MeSH D052159, MONDO:0007635, OMIM 136680.

gnomAD v4.1: 1 of 1,613,890 alleles (0.000062%); highest among the groups gnomAD compares: East Asian, 0.0022%; no homozygotes.

Submission:

Labcorp Genetics (formerly Invitae), Labcorp
Classification: Uncertain significance for Wilms tumor 1; Drash syndrome; 11p partial monosomy syndrome; Frasier syndrome. Last evaluated: 2025-10-01. Review status: criteria provided, single submitter. Criteria: Invitae Variant Classification Sherloc (09022015). Collection method: clinical testing. Allele origin: germline.
Comment: This sequence change replaces glycine, which is neutral and non-polar, with cysteine, which is neutral and slightly polar, at codon 229 of the WT1 protein (p.Gly229Cys). This variant is not present in population databases (gnomAD no frequency). This variant has not been reported in the literature in individuals affected with WT1-related conditions. ClinVar contains an entry for this variant (Variation ID: 999983). Invitae Evidence Modeling of protein sequence and biophysical properties (such as structural, functional, and spatial information, amino acid conservation, physicochemical variation, residue mobility, and thermodynamic stability) has been performed for this missense variant. However, the output from this modeling did not meet the statistical confidence thresholds required to predict the impact of this variant on WT1 protein function. In summary, the available evidence is currently insufficient to determine the role of this variant in disease. Therefore, it has been classified as a Variant of Uncertain Significance.

NM_024426.6(WT1):c.700G>T (p.Gly234Cys)

Gene: WT1 (WT1 transcription factor; minus strand). Cytogenetic location: 11p13.
Variant type: single nucleotide variant.
Coding change: c.700G>T on transcript NM_024426.6 (MANE Select); coding-DNA position 700, G replaced by T.
Protein change: p.Gly234Cys; replaces glycine 234 with cysteine.
Molecular consequence: missense variant. On other transcripts: non-coding transcript variant (1).
Genome position (GRCh38, 1-based): chr11:32,428,581, C>A on the plus strand (G>T on the coding strand, the complement: WT1 is on the minus strand). VCF-style: chr11-32428581-C-A. GRCh37 (hg19) VCF-style: chr11-32450127-C-A.
Other names: c.700G>T, p.Gly234Cys (NM_000378.6, NM_001407044.1, NM_001407045.1 and 4 more transcripts); c.49G>T, p.Gly17Cys (NM_001198551.2, NM_001198552.2); c.-63G>T (NM_001407051.1); c.685G>T, p.Gly229Cys (NM_024425.2); short protein forms G17C, G234C, G229C.
Identifiers: ClinVar variation 999983 (VCV000999983.10), dbSNP rs1307992683, ClinGen allele CA379963497.